The following is an entry in ClinVar:

ClinVar aggregate classification (germline): Uncertain significance. Review status: criteria provided, multiple submitters, no conflicts (2 of 4 stars). 5 submissions from 5 submitters: Uncertain significance (3). 2 of the submissions do not count toward it. Last evaluated 2025-08-24.

Conditions:
Inborn genetic diseases. Identifiers: MedGen C0950123, MeSH D030342.

Allele frequency attached by ClinVar (database versions not stated): TOPMed 0.00011; gnomAD 0.00007 and 0.00006; 1000 Genomes Project 30x 0.00016; ExAC 0.00011; gnomAD exomes 0.00012; 1000 Genomes Project 0.00020; ESP Exome Variant Server 0.00023.
gnomAD v4.1: 180 of 1,614,128 alleles (0.011%); highest among the groups gnomAD compares: Admixed American, 0.02%; no homozygotes.

Submissions (5):

Labcorp Genetics (formerly Invitae), Labcorp
Classification: Uncertain significance. Last evaluated: 2025-08-24. Review status: criteria provided, single submitter. Criteria: Invitae Variant Classification Sherloc (09022015). Collection method: clinical testing. Allele origin: germline.
Comment: This sequence change replaces arginine, which is basic and polar, with histidine, which is basic and polar, at codon 670 of the XPR1 protein (p.Arg670His). This variant is present in population databases (rs142675657, gnomAD 0.03%). This variant has not been reported in the literature in individuals affected with XPR1-related conditions. ClinVar contains an entry for this variant (Variation ID: 1209965). An algorithm developed to predict the effect of missense changes on protein structure and function (PolyPhen-2) suggests that this variant is likely to be tolerated. In summary, the available evidence is currently insufficient to determine the role of this variant in disease. Therefore, it has been classified as a Variant of Uncertain Significance.

Women's Health and Genetics/Laboratory Corporation of America, LabCorp
Classification: Uncertain significance. Last evaluated: 2024-12-10. Review status: criteria provided, single submitter. Criteria: LabCorp Variant Classification Summary - May 2015. Collection method: clinical testing. Allele origin: germline.
Comment: Variant summary: XPR1 c.2009G>A (p.Arg670His) results in a non-conservative amino acid change in the encoded protein sequence. Three of five in-silico tools predict a benign effect of the variant on protein function. The variant allele was found at a frequency of 0.00012 in 251444 control chromosomes. This frequency is not significantly higher than estimated for a pathogenic variant in XPR1 causing Idiopathic Basal Ganglia Calcification, allowing no conclusion about variant significance. To our knowledge, no occurrence of c.2009G>A in individuals affected with Idiopathic Basal Ganglia Calcification and no experimental evidence demonstrating its impact on protein function have been reported. ClinVar contains an entry for this variant (Variation ID: 1209965). Based on the evidence outlined above, the variant was classified as uncertain significance.

Ambry Genetics
Classification: Uncertain significance for Inborn genetic diseases. Last evaluated: 2022-01-03. Review status: criteria provided, single submitter. Criteria: Ambry Variant Classification Scheme 2023. Collection method: clinical testing. Allele origin: germline.

Clinical Genetics DNA and cytogenetics Diagnostics Lab, Erasmus MC, Erasmus Medical Center
Classification: Likely benign. Review status: no assertion criteria provided. Collection method: clinical testing. Allele origin: germline. Affected: yes. Study: VKGL Data-share Consensus. Not counted in ClinVar's aggregate classification.

Genome Diagnostics Laboratory, Amsterdam University Medical Center
Classification: Likely benign. Review status: no assertion criteria provided. Collection method: clinical testing. Allele origin: germline. Affected: yes. Study: VKGL Data-share Consensus. Not counted in ClinVar's aggregate classification.

NM_004736.4(XPR1):c.2009G>A (p.Arg670His)

Gene: XPR1 (xenotropic and polytropic retrovirus receptor 1; plus strand). Cytogenetic location: 1q25.3.
Variant type: single nucleotide variant.
Coding change: c.2009G>A on transcript NM_004736.4 (MANE Select); coding-DNA position 2009, G replaced by A.
Protein change: p.Arg670His; replaces arginine 670 with histidine.
Molecular consequence: missense variant. On other transcripts: non-coding transcript variant (1).
Genome position (GRCh38, 1-based): chr1:180,880,276, G>A. VCF-style: chr1-180880276-G-A. GRCh37 (hg19) VCF-style: chr1-180849412-G-A.
Other names: c.1814G>A, p.Arg605His (NM_001135669.2); c.2009G>A (NM_004736.3); short protein forms R605H, R670H.
Identifiers: ClinVar variation 1209965 (VCV001209965.9), dbSNP rs142675657, ClinGen allele CA1272877.